The following is an entry in ClinVar:

ClinVar aggregate classification (germline): Uncertain significance. Review status: criteria provided, multiple submitters, no conflicts (2 of 4 stars). 4 submissions from 4 submitters: Uncertain significance (4). Last evaluated 2023-12-15.

Conditions:
Inborn genetic diseases. Identifiers: MedGen C0950123, MeSH D030342.
Microcephaly 17, primary, autosomal recessive (MCPH17). Identifiers: Orphanet 2512, MedGen C4310723, MONDO:0014908, OMIM 617090.

Allele frequency attached by ClinVar (database versions not stated): TOPMed 0.00008; 1000 Genomes Project 30x 0.00031; 1000 Genomes Project 0.00020; gnomAD 0.00009.
gnomAD v4.1: 38 of 1,614,166 alleles (0.0024%); highest among the groups gnomAD compares: Admixed American, 0.022%; no homozygotes.

Submissions (4):

Ambry Genetics
Classification: Uncertain significance for Inborn genetic diseases. Last evaluated: 2023-12-15. Review status: criteria provided, single submitter. Criteria: Ambry Variant Classification Scheme 2023. Collection method: clinical testing. Allele origin: germline.

Revvity Omics, Revvity
Classification: Uncertain significance for Microcephaly 17, primary, autosomal recessive. Last evaluated: 2023-08-23. Review status: criteria provided, single submitter. Criteria: ACMG Guidelines, 2015. Collection method: clinical testing. Allele origin: germline.

Labcorp Genetics (formerly Invitae), Labcorp
Classification: Uncertain significance. Last evaluated: 2021-09-02. Review status: criteria provided, single submitter. Criteria: Invitae Variant Classification Sherloc (09022015). Collection method: clinical testing. Allele origin: germline.
Comment: This sequence change replaces asparagine with serine at codon 1301 of the CIT protein (p.Asn1301Ser). The asparagine residue is highly conserved and there is a small physicochemical difference between asparagine and serine. This variant is present in population databases (rs181807537, ExAC 0.02%). This variant has not been reported in the literature in individuals affected with CIT-related conditions. Algorithms developed to predict the effect of missense changes on protein structure and function (SIFT, PolyPhen-2, Align-GVGD) all suggest that this variant is likely to be tolerated. Algorithms developed to predict the effect of sequence changes on RNA splicing suggest that this variant may create or strengthen a splice site. In summary, the available evidence is currently insufficient to determine the role of this variant in disease. Therefore, it has been classified as a Variant of Uncertain Significance.

GeneDx
Classification: Uncertain significance. Last evaluated: 2019-04-24. Review status: criteria provided, single submitter. Criteria: GeneDx Variant Classification Process June 2021. Collection method: clinical testing. Allele origin: germline. Affected: yes.
Comment: In silico analysis, which includes protein predictors and evolutionary conservation, supports that this variant does not alter protein structure/function; Has not been previously published as pathogenic or benign to our knowledge

NM_001206999.2(CIT):c.3902A>G (p.Asn1301Ser)

Gene: CIT (citron rho-interacting serine/threonine kinase; minus strand). Cytogenetic location: 12q24.23.
Variant type: single nucleotide variant.
Coding change: c.3902A>G on transcript NM_001206999.2 (MANE Select); coding-DNA position 3902, A replaced by G.
Protein change: p.Asn1301Ser; replaces asparagine 1301 with serine.
Molecular consequence: missense variant.
Genome position (GRCh38, 1-based): chr12:119,718,800, T>C on the plus strand (A>G on the coding strand, the complement: CIT is on the minus strand). VCF-style: chr12-119718800-T-C. GRCh37 (hg19) VCF-style: chr12-120156605-T-C.
Other names: c.3776A>G, p.Asn1259Ser (NM_007174.3); short protein forms N1259S, N1301S.
Identifiers: ClinVar variation 1064084 (VCV001064084.9), dbSNP rs181807537, ClinGen allele CA6821395.
Genomic context (GRCh38, chr12:119,718,800, plus strand): 5'-AGGGCTTCCTCTAGCTCTGCACAGCGAGCTTTCTCCTTCTCCAGGGCCAGCTTCAGCTCA[T>C]TGTACTGCAGAGGAACCTGTGTGGGTAAAGCAGGGTCCTCTTTCCGTCGACTAAATAAAC-3'
Protein context (NP_001193928.1, residues 1291-1311): ALPTQVPLQY[Asn1301Ser]ELKLALEKEK